The following is an entry in ClinVar:

NM_001035.3(RYR2):c.4754G>A (p.Arg1585His)

Gene: RYR2 (ryanodine receptor 2; plus strand). Cytogenetic location: 1q43.
Variant type: single nucleotide variant.
Coding change: c.4754G>A on transcript NM_001035.3 (MANE Select); coding-DNA position 4754, G replaced by A.
Protein change: p.Arg1585His; replaces arginine 1585 with histidine.
Molecular consequence: missense variant.
Genome position (GRCh38, 1-based): chr1:237,610,832, G>A. VCF-style: chr1-237610832-G-A. GRCh37 (hg19) VCF-style: chr1-237774132-G-A.
Other names: short protein forms R1585H.
Identifiers: ClinVar variation 967763 (VCV000967763.14), dbSNP rs1392451418, ClinGen allele CA345402404.

ClinVar aggregate classification (germline): Conflicting classifications of pathogenicity. Review status: criteria provided, conflicting classifications (1 of 4 stars). 3 submissions from 3 submitters: Uncertain significance (2); Likely benign (1). Last evaluated 2025-08-26.

Conditions:
Catecholaminergic polymorphic ventricular tachycardia 1. Also called: VENTRICULAR TACHYCARDIA, STRESS-INDUCED POLYMORPHIC 1; VENTRICULAR TACHYCARDIA, CATECHOLAMINERGIC POLYMORPHIC, 1, WITH OR WITHOUT ATRIAL DYSFUNCTION AND/OR DILATED CARDIOMYOPATHY; RYR2-Related Catecholaminergic Polymorphic Ventricular Tachycardia. Identifiers: Orphanet 3286, MedGen C1631597, MONDO:0011484, OMIM 604772.
Catecholaminergic polymorphic ventricular tachycardia (CVPT). Also called: Catecholamine-induced polymorphic ventricular tachycardia. Identifiers: Orphanet 3286, MedGen C5574922, MONDO:0017990.

Allele frequency attached by ClinVar (database versions not stated): TOPMed below 0.00001; gnomAD 0.00001; gnomAD exomes 0.00001.
gnomAD v4.1: 20 of 1,612,568 alleles (0.0012%); highest among the groups gnomAD compares: South Asian, 0.0033%; no homozygotes.

Submissions (3):

Labcorp Genetics (formerly Invitae), Labcorp
Classification: Uncertain significance for Catecholaminergic polymorphic ventricular tachycardia 1. Last evaluated: 2025-08-26. Review status: criteria provided, single submitter. Criteria: Invitae Variant Classification Sherloc (09022015). Collection method: clinical testing. Allele origin: germline.
Comment: This sequence change replaces arginine, which is basic and polar, with histidine, which is basic and polar, at codon 1585 of the RYR2 protein (p.Arg1585His). This variant is present in population databases (no rsID available, gnomAD 0.003%). This variant has not been reported in the literature in individuals affected with RYR2-related conditions. ClinVar contains an entry for this variant (Variation ID: 967763). Invitae Evidence Modeling of protein sequence and biophysical properties (such as structural, functional, and spatial information, amino acid conservation, physicochemical variation, residue mobility, and thermodynamic stability) indicates that this missense variant is expected to disrupt RYR2 protein function with a positive predictive value of 95%. In summary, the available evidence is currently insufficient to determine the role of this variant in disease. Therefore, it has been classified as a Variant of Uncertain Significance.

All of Us Research Program, National Institutes of Health
Classification: Uncertain significance for Catecholaminergic polymorphic ventricular tachycardia. Last evaluated: 2024-03-05. Review status: criteria provided, single submitter. Criteria: ACMG Guidelines, 2015. Collection method: clinical testing. Allele origin: germline. Inheritance: Autosomal dominant inheritance. Observed: 3 variant alleles, 3 heterozygotes.
Comment: This missense variant replaces arginine with histidine at codon 1585 of the RYR2 protein. Computational prediction suggests that this variant may have deleterious impact on protein structure and function (internally defined REVEL score threshold >= 0.7, PMID: 27666373). To our knowledge, functional studies have not been reported for this variant. This variant has not been reported in individuals affected with RYR2-related disorders in the literature. This variant has been identified in 3/278234 chromosomes in the general population by the Genome Aggregation Database (gnomAD). The available evidence is insufficient to determine the role of this variant in disease conclusively. Therefore, this variant is classified as a Variant of Uncertain Significance.

This study involves interpretation of variants in research participants for the purpose of population health screening. Participant phenotype was not available at the time of variant classification. Additional details can be found in publication PMID: 35346344, PMCID: PMC8962531

Blueprint Genetics
Classification: Likely benign. Last evaluated: 2024-02-08. Review status: criteria provided, single submitter. Criteria: ACMG Guidelines, 2015. Collection method: clinical testing. Allele origin: germline.